The following is an entry in ClinVar:

ClinVar aggregate classification (germline): Uncertain significance (1 of 4 stars; one submission).

Allele frequency attached by ClinVar (database versions not stated): ExAC 0.00001; gnomAD exomes 0.00001; TOPMed 0.00001.
gnomAD v4.1: 10 of 1,612,252 alleles (0.00062%); highest among the groups gnomAD compares: South Asian, 0.0033%; no homozygotes.

Submission:

Labcorp Genetics (formerly Invitae), Labcorp
Classification: Uncertain significance. Last evaluated: 2023-07-07. Review status: criteria provided, single submitter. Criteria: Invitae Variant Classification Sherloc (09022015). Collection method: clinical testing. Allele origin: germline.
Comment: In summary, the available evidence is currently insufficient to determine the role of this variant in disease. Therefore, it has been classified as a Variant of Uncertain Significance. Advanced modeling of protein sequence and biophysical properties (such as structural, functional, and spatial information, amino acid conservation, physicochemical variation, residue mobility, and thermodynamic stability) performed at Invitae indicates that this missense variant is not expected to disrupt ABCG8 protein function. This variant has not been reported in the literature in individuals affected with ABCG8-related conditions. This variant is present in population databases (rs756574701, gnomAD 0.003%). This sequence change replaces alanine, which is neutral and non-polar, with threonine, which is neutral and polar, at codon 193 of the ABCG8 protein (p.Ala193Thr).

NM_022437.3(ABCG8):c.577G>A (p.Ala193Thr)

Gene: ABCG8 (ATP binding cassette subfamily G member 8; plus strand). Cytogenetic location: 2p21.
Variant type: single nucleotide variant.
Coding change: c.577G>A on transcript NM_022437.3 (MANE Select); coding-DNA position 577, G replaced by A.
Protein change: p.Ala193Thr; replaces alanine 193 with threonine.
Molecular consequence: missense variant.
Genome position (GRCh38, 1-based): chr2:43,852,369, G>A. VCF-style: chr2-43852369-G-A. GRCh37 (hg19) VCF-style: chr2-44079508-G-A.
Other names: c.577G>A, p.Ala193Thr (NM_001357321.2); short protein forms A193T.
Identifiers: ClinVar variation 2907178 (VCV002907178.2), dbSNP rs756574701, ClinGen allele CA1637077.
Genomic context (GRCh38, chr2:43,852,369, plus strand): 5'-GAAGGAGGCCCCTGAGGTGGCCTCAAAGCTCCTTCTGGCCCACAGGTGGAGGACGTGATC[G>A]CGGAGCTGCGGCTTAGGCAGTGCGCTGACACCCGCGTGGGCAACATGTACGTGCGGGGGT-3'
Protein context (NP_071882.1, residues 183-203): QRDKRVEDVI[Ala193Thr]ELRLRQCADT